The following is an entry in ClinVar:

ClinVar aggregate classification (germline): Uncertain significance. Review status: criteria provided, multiple submitters, no conflicts (2 of 4 stars). 4 submissions from 3 submitters: Uncertain significance (4). Last evaluated 2024-09-30.

Conditions:
Familial cutaneous telangiectasia and oropharyngeal predisposition cancer syndrome. Identifiers: Orphanet 313846, MedGen C3281203, MONDO:0013806, OMIM 614564.
Inborn genetic diseases. Identifiers: MedGen C0950123, MeSH D030342.
Seckel syndrome 1 (SCKL1). Also called: MICROCEPHALIC PRIMORDIAL DWARFISM I. Identifiers: Orphanet 808, MedGen C4551474, MONDO:0008869, OMIM 210600.

Allele frequency attached by ClinVar (database versions not stated): gnomAD exomes below 0.00001; gnomAD 0.00001; TOPMed 0.00002.
gnomAD v4.1: 3 of 1,613,840 alleles (0.00019%); highest among the groups gnomAD compares: African/African-American, 0.0027%; no homozygotes.

Submissions (4):

Ambry Genetics
Classification: Uncertain significance for Inborn genetic diseases. Last evaluated: 2024-09-30. Review status: criteria provided, single submitter. Criteria: Ambry Variant Classification Scheme 2023. Collection method: clinical testing. Allele origin: germline.
Comment: The p.P2433S variant (also known as c.7297C>T), located in coding exon 43 of the ATR gene, results from a C to T substitution at nucleotide position 7297. The proline at codon 2433 is replaced by serine, an amino acid with similar properties. This amino acid position is conserved. In addition, the in silico prediction for this alteration is inconclusive. Since supporting evidence is limited at this time, the clinical significance of this alteration remains unclear.

Genome-Nilou Lab
Classification: Uncertain significance for Seckel syndrome 1. Last evaluated: 2023-02-08. Review status: criteria provided, single submitter. Criteria: ACMG Guidelines, 2015. Collection method: clinical testing. Allele origin: germline.

Genome-Nilou Lab
Classification: Uncertain significance for Familial cutaneous telangiectasia and oropharyngeal predisposition cancer syndrome. Last evaluated: 2023-02-08. Review status: criteria provided, single submitter. Criteria: ACMG Guidelines, 2015. Collection method: clinical testing. Allele origin: germline.

Labcorp Genetics (formerly Invitae), Labcorp
Classification: Uncertain significance. Last evaluated: 2021-09-01. Review status: criteria provided, single submitter. Criteria: Invitae Variant Classification Sherloc (09022015). Collection method: clinical testing. Allele origin: germline.
Comment: This sequence change replaces proline with serine at codon 2433 of the ATR protein (p.Pro2433Ser). The proline residue is highly conserved and there is a moderate physicochemical difference between proline and serine. This variant is not present in population databases (ExAC no frequency). This variant has not been reported in the literature in individuals affected with ATR-related conditions. Algorithms developed to predict the effect of missense changes on protein structure and function (SIFT, PolyPhen-2, Align-GVGD) all suggest that this variant is likely to be disruptive. In summary, the available evidence is currently insufficient to determine the role of this variant in disease. Therefore, it has been classified as a Variant of Uncertain Significance.

NM_001184.4(ATR):c.7297C>T (p.Pro2433Ser)

Gene: ATR (ATR checkpoint kinase; minus strand). Cytogenetic location: 3q23.
Variant type: single nucleotide variant.
Coding change: c.7297C>T on transcript NM_001184.4 (MANE Select); coding-DNA position 7297, C replaced by T.
Protein change: p.Pro2433Ser; replaces proline 2433 with serine.
Molecular consequence: missense variant.
Genome position (GRCh38, 1-based): chr3:142,459,279, G>A on the plus strand (C>T on the coding strand, the complement: ATR is on the minus strand). VCF-style: chr3-142459279-G-A. GRCh37 (hg19) VCF-style: chr3-142178121-G-A.
Other names: c.7105C>T, p.Pro2369Ser (NM_001354579.2); short protein forms P2433S, P2369S.
Identifiers: ClinVar variation 1518332 (VCV001518332.9), dbSNP rs1029034437, ClinGen allele CA84726485.